The following is an entry in ClinVar:

NM_001039876.3(SYNE4):c.155_209del (p.Gln52fs)

Gene: SYNE4 (spectrin repeat containing nuclear envelope family member 4; minus strand). Cytogenetic location: 19q13.12.
Variant type: Deletion.
Coding change: c.155_209del on transcript NM_001039876.3 (MANE Select); coding-DNA positions 155 to 209, 55 bases deleted.
Protein change: p.Gln52fs; shifts the reading frame from glutamine 52.
Molecular consequence: frameshift variant.
Genome position (GRCh38, 1-based): chr19:36,008,287-36,008,341, 55 bases deleted. GRCh37 (hg19): chr19:36,499,190-36,499,244.
Other names: c.155_209del, p.Gln52fs (NM_001297735.3); short protein forms Q52fs.
Identifiers: ClinVar variation 2773052 (VCV002773052.3), dbSNP rs2514049229, ClinGen allele CA9394002.

ClinVar aggregate classification (germline): Pathogenic (1 of 4 stars; one submission).

Submission:

Labcorp Genetics (formerly Invitae), Labcorp
Classification: Pathogenic. Last evaluated: 2023-10-30. Review status: criteria provided, single submitter. Criteria: Invitae Variant Classification Sherloc (09022015). Collection method: clinical testing. Allele origin: germline.
Comment: This sequence change creates a premature translational stop signal (p.Gln52Leufs*33) in the SYNE4 gene. It is expected to result in an absent or disrupted protein product. Loss-of-function variants in SYNE4 are known to be pathogenic (PMID: 23348741, 28958982). This variant is present in population databases (no rsID available, gnomAD 0.001%). This variant has not been reported in the literature in individuals affected with SYNE4-related conditions. For these reasons, this variant has been classified as Pathogenic.

Literature cited by the submitters: PubMed 23348741; PubMed 28958982.